The following is an entry in ClinVar:

ClinVar aggregate classification (germline): Uncertain significance (1 of 4 stars; one submission).

Conditions:
Hereditary cancer-predisposing syndrome. Also called: Tumor predisposition; Hereditary Cancer Syndrome; Hereditary neoplastic syndrome; Neoplastic Syndromes, Hereditary. Identifiers: Orphanet 140162, MedGen C0027672, MeSH D009386, MONDO:0015356.
Familial thoracic aortic aneurysm and aortic dissection (TAAD). Also called: Thoracic aortic aneurysms and dissections. Identifiers: Orphanet 91387, MedGen C4707243, MONDO:0019625.

Submission:

Ambry Genetics
Classification: Uncertain significance for Hereditary cancer-predisposing syndrome; Familial thoracic aortic aneurysm and aortic dissection. Last evaluated: 2016-12-14. Review status: criteria provided, single submitter. Criteria: Ambry Variant Classification Scheme 2023. Collection method: clinical testing. Allele origin: germline.
Comment: The p.T211S variant (also known as c.632C>G), located in coding exon 4 of the SMAD4 gene, results from a C to G substitution at nucleotide position 632. The threonine at codon 211 is replaced by serine, an amino acid with similar properties. This amino acid position is well conserved in available vertebrate species. In addition, the in silico prediction for this alteration is inconclusive. Since supporting evidence is limited at this time, the clinical significance of this alteration remains unclear.

NM_005359.6(SMAD4):c.632C>G (p.Thr211Ser)

Gene: SMAD4 (SMAD family member 4; plus strand). Cytogenetic location: 18q21.2.
Variant type: single nucleotide variant.
Coding change: c.632C>G on transcript NM_005359.6 (MANE Select); coding-DNA position 632, C replaced by G.
Protein change: p.Thr211Ser; replaces threonine 211 with serine.
Molecular consequence: missense variant.
Genome position (GRCh38, 1-based): chr18:51,054,958, C>G. VCF-style: chr18-51054958-C-G. GRCh37 (hg19) VCF-style: chr18-48581328-C-G.
Other names: short protein forms T211S.
Identifiers: ClinVar variation 486986 (VCV000486986.5), dbSNP rs1555685671, ClinGen allele CA402461231.